The following is an entry in ClinVar:

NM_012470.4(TNPO3):c.1616A>G (p.Asn539Ser)

Gene: TNPO3 (transportin 3; minus strand). Cytogenetic location: 7q32.1.
Variant type: single nucleotide variant.
Coding change: c.1616A>G on transcript NM_012470.4 (MANE Select); coding-DNA position 1616, A replaced by G.
Protein change: p.Asn539Ser; replaces asparagine 539 with serine.
Molecular consequence: missense variant. On other transcripts: non-coding transcript variant (18), intron variant (2).
Genome position (GRCh38, 1-based): chr7:128,986,803, T>C on the plus strand (A>G on the coding strand, the complement: TNPO3 is on the minus strand). VCF-style: chr7-128986803-T-C. GRCh37 (hg19) VCF-style: chr7-128626857-T-C.
Other names: c.1469A>G, p.Asn490Ser (NM_001382222.1); c.1499-2544A>G (NM_001191028.3, NM_001382223.1); c.1718A>G, p.Asn573Ser (NM_001382216.1); c.1697A>G, p.Asn566Ser (NM_001382217.1); c.1616A>G, p.Asn539Ser (NM_001382218.1, NM_001382220.1); c.1508A>G, p.Asn503Ser (NM_001382219.1); c.1472A>G, p.Asn491Ser (NM_001382221.1); short protein forms N491S, N539S, N573S, N503S, N490S, N566S.
Identifiers: ClinVar variation 1878223 (VCV001878223.4), dbSNP rs370293580, ClinGen allele CA4478096.

ClinVar aggregate classification (germline): Uncertain significance. Review status: criteria provided, multiple submitters, no conflicts (2 of 4 stars). 2 submissions from 2 submitters: Uncertain significance (2). Last evaluated 2022-12-06.

Conditions:
Autosomal dominant limb-girdle muscular dystrophy type 1F (LGMDD2). Also called: MUSCULAR DYSTROPHY, LIMB-GIRDLE, AUTOSOMAL DOMINANT 2; Limb-girdle muscular dystrophy, type 1F. Identifiers: Orphanet 55595, MedGen C1842062, MONDO:0012034, OMIM 608423.

Allele frequency attached by ClinVar (database versions not stated): gnomAD exomes 0.00001; TOPMed 0.00001; ExAC 0.00002; ESP Exome Variant Server 0.00008.
gnomAD v4.1: 17 of 1,614,134 alleles (0.0011%); highest among the groups gnomAD compares: Middle Eastern, 0.017%; no homozygotes.

Submissions (2):

Women's Health and Genetics/Laboratory Corporation of America, LabCorp
Classification: Uncertain significance. Last evaluated: 2022-12-06. Review status: criteria provided, single submitter. Criteria: LabCorp Variant Classification Summary - May 2015. Collection method: clinical testing. Allele origin: germline.
Comment: Variant summary: TNPO3 c.1616A>G (p.Asn539Ser) results in a conservative amino acid change in the encoded protein sequence. Four of five in-silico tools predict a benign effect of the variant on protein function. The variant allele was found at a frequency of 1.6e-05 in 251018 control chromosomes (gnomAD). The available data on variant occurrences in the general population are insufficient to allow any conclusion about variant significance. c.1616A>G has been reported in the literature in a family affected with muscular dystrophy, however authors reported the disease causing variant in this family was DYSF c.4076T>C (p.L1359P) suggesting a benign role for this variant (Dardas_2020). No clinical diagnostic laboratories have submitted clinical-significance assessments for this variant to ClinVar after 2014. Based on the evidence outlined above, the variant was classified as uncertain significance.

Revvity Omics, Revvity
Classification: Uncertain significance for Autosomal dominant limb-girdle muscular dystrophy type 1F. Last evaluated: 2020-10-19. Review status: criteria provided, single submitter. Criteria: ACMG Guidelines, 2015. Collection method: clinical testing. Allele origin: germline.

Literature cited by the submitters: PubMed 31953240 (cited by Women's Health and Genetics/Laboratory Corporation of America, LabCorp).